The following is an entry in ClinVar:

NM_001267550.2(TTN):c.78423A>C (p.Thr26141=)

Genes: TTN (titin; minus strand), TTN-AS1 (TTN antisense RNA 1; plus strand). Cytogenetic location: 2q31.2.
Variant type: single nucleotide variant.
Coding change: c.78423A>C on transcript NM_001267550.2 (MANE Select); coding-DNA position 78423, A replaced by C.
Protein change: p.Thr26141=; no amino-acid change (threonine 26141 retained).
Molecular consequence: synonymous variant.
Genome position (GRCh38, 1-based): chr2:178,567,709, T>G on the plus strand (A>C on the coding strand, the complement: TTN is on the minus strand). VCF-style: chr2-178567709-T-G. GRCh37 (hg19) VCF-style: chr2-179432436-T-G.
Other names: c.73500A>C, p.Thr24500= (NM_001256850.1); c.51228A>C, p.Thr17076= (NM_003319.4); c.70719A>C, p.Thr23573= (NM_133378.4); c.51603A>C, p.Thr17201= (NM_133432.3); c.51804A>C, p.Thr17268= (NM_133437.4).
Identifiers: ClinVar variation 1546445 (VCV001546445.12), dbSNP rs1390162762, ClinGen allele CA430253434.

ClinVar aggregate classification (germline): Likely benign. Review status: criteria provided, multiple submitters, no conflicts (2 of 4 stars). 2 submissions from 2 submitters: Likely benign (2). Last evaluated 2026-02-01.

Conditions:
Dilated cardiomyopathy 1G (CMD1G). Identifiers: Orphanet 154, MedGen C1858763, MONDO:0011400, OMIM 604145.
Autosomal recessive limb-girdle muscular dystrophy type 2J (LGMDR10). Also called: MUSCULAR DYSTROPHY, LIMB-GIRDLE, AUTOSOMAL RECESSIVE 10; Limb-girdle muscular dystrophy, type 2J. Identifiers: Orphanet 140922, MedGen C1837342, MONDO:0012127, OMIM 608807.

Allele frequency attached by ClinVar (database versions not stated): TOPMed 0.00001.

Submissions (2):

CeGaT Center for Human Genetics Tuebingen
Classification: Likely benign. Last evaluated: 2026-02-01. Review status: criteria provided, single submitter. Criteria: CeGaT Center For Human Genetics Tuebingen Variant Classification Criteria Version 2. Collection method: clinical testing. Allele origin: germline. Affected: yes. Observed: 1 variant allele.
Comment: TTN: PM2:Supporting, BP4, BP7

Labcorp Genetics (formerly Invitae), Labcorp
Classification: Likely benign for Dilated cardiomyopathy 1G; Autosomal recessive limb-girdle muscular dystrophy type 2J. Last evaluated: 2024-01-17. Review status: criteria provided, single submitter. Criteria: Invitae Variant Classification Sherloc (09022015). Collection method: clinical testing. Allele origin: germline.